The following is an entry in ClinVar:

NM_001267550.2(TTN):c.80661C>T (p.Asn26887=)

Genes: TTN-AS1 (TTN antisense RNA 1; plus strand), TTN (titin; minus strand). Cytogenetic location: 2q31.2.
Variant type: single nucleotide variant.
Coding change: c.80661C>T on transcript NM_001267550.2 (MANE Select); coding-DNA position 80661, C replaced by T.
Protein change: p.Asn26887=; no amino-acid change (asparagine 26887 retained).
Molecular consequence: synonymous variant.
Genome position (GRCh38, 1-based): chr2:178,565,471, G>A on the plus strand (C>T on the coding strand, the complement: TTN is on the minus strand). VCF-style: chr2-178565471-G-A. GRCh37 (hg19) VCF-style: chr2-179430198-G-A.
Other names: p.N24319N:AAC>AAT; c.75738C>T, p.Asn25246= (NM_001256850.1); c.53466C>T, p.Asn17822= (NM_003319.4); c.72957C>T, p.Asn24319= (NM_133378.4); c.53841C>T, p.Asn17947= (NM_133432.3); c.54042C>T, p.Asn18014= (NM_133437.4).
Identifiers: ClinVar variation 47391 (VCV000047391.36), dbSNP rs201069672, ClinGen allele CA283859.

ClinVar aggregate classification (germline): Benign/Likely benign. Review status: criteria provided, multiple submitters, no conflicts (2 of 4 stars). 16 submissions from 13 submitters: Benign (6); Likely benign (7). 3 of the submissions do not count toward it. Last evaluated 2026-09-01.

Conditions:
TTN-related disorder. Also called: TTN-related disorders; TTN-related condition; TTN-related disease.
Cardiovascular phenotype. Identifiers: MedGen CN230736.
Autosomal recessive limb-girdle muscular dystrophy type 2J (LGMDR10). Also called: MUSCULAR DYSTROPHY, LIMB-GIRDLE, AUTOSOMAL RECESSIVE 10; Limb-girdle muscular dystrophy, type 2J. Identifiers: Orphanet 140922, MedGen C1837342, MONDO:0012127, OMIM 608807.
Dilated cardiomyopathy 1G (CMD1G). Identifiers: Orphanet 154, MedGen C1858763, MONDO:0011400, OMIM 604145.
Cardiomyopathy (CMYO). Also called: Cardiomyopathies. Identifiers: Orphanet 167848, MedGen C0878544, MONDO:0004994, HP:0001638. Inheritance: Various modes of inheritance.
Early-onset myopathy with fatal cardiomyopathy (CMYO5). Also called: CONGENITAL MYOPATHY 5 WITH CARDIOMYOPATHY; Salih Myopathy. Identifiers: Orphanet 289377, MedGen C2673677, MONDO:0012714, OMIM 611705. Disease mechanism: loss of function.
Myopathy, myofibrillar, 9, with early respiratory failure (MFM9). Also called: Myopathy, distal, with early respiratory failure, autosomal dominant; Hereditary myopathy with early respiratory failure; EDSTROM MYOPATHY; MYOPATHY, PROXIMAL, WITH EARLY RESPIRATORY MUSCLE INVOLVEMENT. Identifiers: Orphanet 178464, Orphanet 34521, MedGen C1863599, MONDO:0011362, OMIM 603689.
Tibial muscular dystrophy (TMD). Also called: Tibial muscular dystrophy, tardive; Udd Distal Myopathy – Tibial Muscular Dystrophy; UDD MYOPATHY. Identifiers: Orphanet 609, MedGen C1838244, MONDO:0010870, OMIM 600334.

Allele frequency attached by ClinVar (database versions not stated): ExAC 0.00025; 1000 Genomes Project 0.00060; 1000 Genomes Project 30x 0.00047; gnomAD exomes 0.00020 and 0.00009; ESP Exome Variant Server 0.00067; TOPMed 0.00089; gnomAD 0.00085 and 0.00093.
gnomAD v4.1: 275 of 1,613,264 alleles (0.017%); highest among the groups gnomAD compares: African/African-American, 0.31%; 1 homozygote.

Submissions (16):

CeGaT Center for Human Genetics Tuebingen
Classification: Likely benign. Last evaluated: 2026-09-01. Review status: criteria provided, single submitter. Criteria: CeGaT Center For Human Genetics Tuebingen Variant Classification Criteria Version 2. Collection method: clinical testing. Allele origin: germline. Affected: yes. Observed: 1 variant allele.
Comment: TTN: BP4, BP7

Labcorp Genetics (formerly Invitae), Labcorp
Classification: Benign for Dilated cardiomyopathy 1G; Autosomal recessive limb-girdle muscular dystrophy type 2J. Last evaluated: 2026-02-02. Review status: criteria provided, single submitter. Criteria: Invitae Variant Classification Sherloc (09022015). Collection method: clinical testing. Allele origin: germline.

Women's Health and Genetics/Laboratory Corporation of America, LabCorp
Classification: Likely benign. Last evaluated: 2023-08-19. Review status: criteria provided, single submitter. Criteria: LabCorp Variant Classification Summary - May 2015. Collection method: clinical testing. Allele origin: germline.

Blueprint Genetics
Classification: Likely benign. Last evaluated: 2023-06-20. Review status: criteria provided, single submitter. Criteria: ACMG Guidelines, 2015. Collection method: clinical testing. Allele origin: germline.

Genome-Nilou Lab
Classification: Benign for Autosomal recessive limb-girdle muscular dystrophy type 2J. Last evaluated: 2021-09-10. Review status: criteria provided, single submitter. Criteria: ACMG Guidelines, 2015. Collection method: clinical testing. Allele origin: germline. Affected: no.

Genome-Nilou Lab
Classification: Benign for Myopathy, myofibrillar, 9, with early respiratory failure. Last evaluated: 2021-09-10. Review status: criteria provided, single submitter. Criteria: ACMG Guidelines, 2015. Collection method: clinical testing. Allele origin: germline. Affected: no.

Genome-Nilou Lab
Classification: Benign for Early-onset myopathy with fatal cardiomyopathy. Last evaluated: 2021-09-10. Review status: criteria provided, single submitter. Criteria: ACMG Guidelines, 2015. Collection method: clinical testing. Allele origin: germline. Affected: no.

Genome-Nilou Lab
Classification: Benign for Tibial muscular dystrophy. Last evaluated: 2021-09-10. Review status: criteria provided, single submitter. Criteria: ACMG Guidelines, 2015. Collection method: clinical testing. Allele origin: germline. Affected: no.

Ambry Genetics
Classification: Likely benign for Cardiovascular phenotype. Last evaluated: 2017-12-12. Review status: criteria provided, single submitter. Criteria: Ambry Variant Classification Scheme 2023. Collection method: clinical testing. Allele origin: germline.

CHEO Genetics Diagnostic Laboratory, Children's Hospital of Eastern Ontario
Classification: Likely benign for Cardiomyopathy. Last evaluated: 2016-06-15. Review status: criteria provided, single submitter. Criteria: ACMG Guidelines, 2015. Collection method: clinical testing. Allele origin: germline. Study: Canadian Open Genetics Repository.

Eurofins Ntd Llc (ga)
Classification: Likely benign. Last evaluated: 2014-10-23. Review status: criteria provided, single submitter. Criteria: EGL Classification Definitions 2015. Collection method: clinical testing. Allele origin: germline. Observed: 1 variant allele, 1 heterozygote.

GeneDx
Classification: Benign. Last evaluated: 2014-04-03. Review status: criteria provided, single submitter. Criteria: GeneDx Variant Classification (06012015). Collection method: clinical testing. Allele origin: germline. Affected: yes.
Comment: This variant is considered likely benign or benign based on one or more of the following criteria: it is a conservative change, it occurs at a poorly conserved position in the protein, it is predicted to be benign by multiple in silico algorithms, and/or has population frequency not consistent with disease.

Laboratory for Molecular Medicine, Mass General Brigham Personalized Medicine
Classification: Likely benign. Last evaluated: 2012-03-19. Review status: criteria provided, single submitter. Criteria: LMM Criteria. Collection method: clinical testing. Allele origin: germline. Observed: 1 variant allele.
Comment: Asn24319Asn in exon 275 of TTN: This variant is not expected to have clinical si gnificance because it does not alter an amino acid residue and is not located wi thin the splice consensus sequence. It has been identified in 0.3% (8/3004) of A frican American chromosomes from a broad population by the NHLBI Exome Sequencin g Project. Asn24319Asn in exon 275 of TTN (a llele frequency = 0.3%, 8/3004) **

PreventionGenetics, part of Exact Sciences
Classification: Likely benign for TTN-related condition. Last evaluated: 2019-10-25. Review status: no assertion criteria provided. Collection method: clinical testing. Allele origin: germline. Not counted in ClinVar's aggregate classification.
Comment: This variant is classified as likely benign based on ACMG/AMP sequence variant interpretation guidelines (Richards et al. 2015 PMID: 25741868, with internal and published modifications).

Clinical Genetics DNA and cytogenetics Diagnostics Lab, Erasmus MC, Erasmus Medical Center
Classification: Likely benign. Review status: no assertion criteria provided. Collection method: clinical testing. Allele origin: germline. Affected: yes. Study: VKGL Data-share Consensus. Not counted in ClinVar's aggregate classification.

Clinical Genetics, Academic Medical Center
Classification: Benign. Review status: no assertion criteria provided. Collection method: clinical testing. Allele origin: germline. Affected: yes. Study: VKGL Data-share Consensus. Not counted in ClinVar's aggregate classification.